The following is an entry in ClinVar:

NM_000342.4(SLC4A1):c.1144del (p.Leu382fs)

Gene: SLC4A1 (solute carrier family 4 member 1 (Diego blood group); minus strand). Cytogenetic location: 17q21.31.
Variant type: Deletion.
Coding change: c.1144del on transcript NM_000342.4 (MANE Select); coding-DNA position 1144, one base deleted (C; older notation c.1144delC).
Protein change: p.Leu382fs; shifts the reading frame from leucine 382.
Molecular consequence: frameshift variant.
Genome position (GRCh38, 1-based): chr17:44,258,124, G deleted on the plus strand (C on the coding strand, the reverse complement: SLC4A1 is on the minus strand); the first of 2 consecutive G bases (chr17:44,258,124-44,258,125); deleting either gives the same sequence. VCF-style (leftmost placement, unchanged base first): chr17-44258123-AG-A. GRCh37 (hg19) VCF-style: chr17-42335491-AG-A.
Other names: short protein forms L382fs.
Identifiers: ClinVar variation 4728561 (VCV004728561.1).

ClinVar aggregate classification (germline): Pathogenic (1 of 4 stars; one submission).

Submission:

Labcorp Genetics (formerly Invitae), Labcorp
Classification: Pathogenic. Last evaluated: 2025-10-06. Review status: criteria provided, single submitter. Criteria: Invitae Variant Classification Sherloc (09022015). Collection method: clinical testing. Allele origin: germline.
Comment: This sequence change creates a premature translational stop signal (p.Leu382Trpfs*13) in the SLC4A1 gene. It is expected to result in an absent or disrupted protein product. Loss-of-function variants in SLC4A1 are known to be pathogenic (PMID: 8943874, 10926824, 23255290). This variant is not present in population databases (gnomAD no frequency). This variant has not been reported in the literature in individuals affected with SLC4A1-related conditions. For these reasons, this variant has been classified as Pathogenic.

Literature cited by the submitters: PubMed 8943874; PubMed 10926824; PubMed 23255290.